The following is an entry in ClinVar:

ClinVar aggregate classification (germline): Uncertain significance. Review status: criteria provided, multiple submitters, no conflicts (2 of 4 stars). 2 submissions from 2 submitters: Uncertain significance (2). Last evaluated 2025-03-17.

Conditions:
Melanoma, cutaneous malignant, susceptibility to, 5. Also called: Cutaneous malignant melanoma 5. Identifiers: Orphanet 618, MedGen C2751295, MONDO:0013133, OMIM 613099.

Allele frequency attached by ClinVar (database versions not stated): ExAC 0.00002.
gnomAD v4.1: 50 of 1,608,158 alleles (0.0031%); highest among the groups gnomAD compares: South Asian, 0.032%; no homozygotes.

Submissions (2):

Labcorp Genetics (formerly Invitae), Labcorp
Classification: Uncertain significance for Melanoma, cutaneous malignant, susceptibility to, 5. Last evaluated: 2025-03-17. Review status: criteria provided, single submitter. Criteria: Invitae Variant Classification Sherloc (09022015). Collection method: clinical testing. Allele origin: germline.
Comment: This sequence change replaces threonine, which is neutral and polar, with methionine, which is neutral and non-polar, at codon 177 of the MC1R protein (p.Thr177Met). The frequency data for this variant in the population databases is considered unreliable, as metrics indicate poor data quality at this position in the gnomAD database. This variant has not been reported in the literature in individuals affected with MC1R-related conditions. ClinVar contains an entry for this variant (Variation ID: 2038369). Invitae Evidence Modeling of protein sequence and biophysical properties (such as structural, functional, and spatial information, amino acid conservation, physicochemical variation, residue mobility, and thermodynamic stability) indicates that this missense variant is not expected to disrupt MC1R protein function with a negative predictive value of 80%. In summary, the available evidence is currently insufficient to determine the role of this variant in disease. Therefore, it has been classified as a Variant of Uncertain Significance.

Ambry Genetics
Classification: Uncertain significance. Last evaluated: 2025-01-05. Review status: criteria provided, single submitter. Criteria: Ambry Variant Classification Scheme 2023. Collection method: clinical testing. Allele origin: germline.
Comment: The p.T177M variant (also known as c.530C>T), located in coding exon 1 of the MC1R gene, results from a C to T substitution at nucleotide position 530. The threonine at codon 177 is replaced by methionine, an amino acid with similar properties. This amino acid position is conserved. In addition, this alteration is predicted to be tolerated by in silico analysis. Based on the available evidence, the clinical significance of this variant remains unclear.

NM_002386.4(MC1R):c.530C>T (p.Thr177Met)

Gene: MC1R (melanocortin 1 receptor; plus strand). Cytogenetic location: 16q24.3.
Variant type: single nucleotide variant.
Coding change: c.530C>T on transcript NM_002386.4 (MANE Select); coding-DNA position 530, C replaced by T.
Protein change: p.Thr177Met; replaces threonine 177 with methionine.
Molecular consequence: missense variant.
Genome position (GRCh38, 1-based): chr16:89,919,788, C>T. VCF-style: chr16-89919788-C-T. GRCh37 (hg19) VCF-style: chr16-89986196-C-T.
Other names: c.530C>T (NM_002386.3); short protein forms T177M.
Identifiers: ClinVar variation 2038369 (VCV002038369.5), dbSNP rs773631824, ClinGen allele CA8255643.